The following is an entry in ClinVar:

ClinVar aggregate classification (germline): Uncertain significance (1 of 4 stars; one submission).

Allele frequency attached by ClinVar (database versions not stated): TOPMed 0.00001; gnomAD 0.00003; ExAC 0.00005; 1000 Genomes Project 30x 0.00016; 1000 Genomes Project 0.00020.
gnomAD v4.1: 78 of 1,605,024 alleles (0.0049%); highest among the groups gnomAD compares: East Asian, 0.17%; no homozygotes.

Submission:

Labcorp Genetics (formerly Invitae), Labcorp
Classification: Uncertain significance. Last evaluated: 2023-10-22. Review status: criteria provided, single submitter. Criteria: Invitae Variant Classification Sherloc (09022015). Collection method: clinical testing. Allele origin: germline.
Comment: This sequence change replaces glycine, which is neutral and non-polar, with valine, which is neutral and non-polar, at codon 754 of the PACS2 protein (p.Gly754Val). This variant is present in population databases (rs201037630, gnomAD 0.02%). This variant has not been reported in the literature in individuals affected with PACS2-related conditions. Advanced modeling of protein sequence and biophysical properties (such as structural, functional, and spatial information, amino acid conservation, physicochemical variation, residue mobility, and thermodynamic stability) performed at Invitae indicates that this missense variant is not expected to disrupt PACS2 protein function. In summary, the available evidence is currently insufficient to determine the role of this variant in disease. Therefore, it has been classified as a Variant of Uncertain Significance.

NM_001100913.3(PACS2):c.2261G>T (p.Gly754Val)

Gene: PACS2 (phosphofurin acidic cluster sorting protein 2; plus strand). Cytogenetic location: 14q32.33.
Variant type: single nucleotide variant.
Coding change: c.2261G>T on transcript NM_001100913.3 (MANE Select); coding-DNA position 2261, G replaced by T.
Protein change: p.Gly754Val; replaces glycine 754 with valine.
Molecular consequence: missense variant.
Genome position (GRCh38, 1-based): chr14:105,392,624, G>T. VCF-style: chr14-105392624-G-T. GRCh37 (hg19) VCF-style: chr14-105858961-G-T.
Other names: c.1991G>T, p.Gly664Val (NM_001243127.3); c.2216G>T, p.Gly739Val (NM_015197.4); short protein forms G664V, G739V, G754V.
Identifiers: ClinVar variation 2905677 (VCV002905677.3), dbSNP rs201037630, ClinGen allele CA7389232.